The following is an entry in ClinVar:

NM_003466.4(PAX8):c.1009T>G (p.Ser337Ala)

Gene: PAX8 (paired box 8; minus strand). Cytogenetic location: 2q14.1.
Variant type: single nucleotide variant.
Coding change: c.1009T>G on transcript NM_003466.4 (MANE Select); coding-DNA position 1009, T replaced by G.
Protein change: p.Ser337Ala; replaces serine 337 with alanine.
Molecular consequence: missense variant. On other transcripts: synonymous variant (1), intron variant (2).
Genome position (GRCh38, 1-based): chr2:113,235,472, A>C on the plus strand (T>G on the coding strand, the complement: PAX8 is on the minus strand). VCF-style: chr2-113235472-A-C. GRCh37 (hg19) VCF-style: chr2-113993049-A-C.
Other names: c.930T>G, p.Ala310= (NM_013952.4); c.777+6079T>G (NM_013992.4, NM_013953.4); short protein forms S337A.
Identifiers: ClinVar variation 894021 (VCV000894021.8), dbSNP rs199939219, ClinGen allele CA1839996.
Genomic context (GRCh38, chr2:113,235,472, plus strand): 5'-CCGTGAACTGCCCGTACACGGAGGCAGCATGGGGAAAGGCATTGAAGGGCGGGACCCCGG[A>C]GCCGACTTGCTGCAGATCCAAAAAGGCGGAGCTAGATAAAGAGGAAGGGGTGGAGCTAGA-3'
Protein context (NP_003457.1, residues 327-347): SAFLDLQQVG[Ser337Ala]GVPPFNAFPH

ClinVar aggregate classification (germline): Conflicting classifications of pathogenicity. Review status: criteria provided, conflicting classifications (1 of 4 stars). 3 submissions from 3 submitters: Uncertain significance (2); Likely benign (1). Last evaluated 2024-07-03.

Conditions:
Inborn genetic diseases. Identifiers: MedGen C0950123, MeSH D030342.
Hypothyroidism, congenital, nongoitrous, 2 (CHNG2). Also called: Hypothyroidism, congenital, due to thyroid dysgenesis or hypoplasia. Identifiers: Orphanet 95712, MedGen C1869118, MONDO:0024264, OMIM 218700.

Allele frequency attached by ClinVar (database versions not stated): 1000 Genomes Project 30x 0.00016; ESP Exome Variant Server 0.00025; gnomAD 0.00025 and 0.00029; TOPMed 0.00033; gnomAD exomes 0.00034; ExAC 0.00038.
gnomAD v4.1: 651 of 1,613,256 alleles (0.04%); highest among the groups gnomAD compares: Admixed American, 0.055%; 2 homozygotes.

Submissions (3):

Women's Health and Genetics/Laboratory Corporation of America, LabCorp
Classification: Uncertain significance. Last evaluated: 2024-07-03. Review status: criteria provided, single submitter. Criteria: LabCorp Variant Classification Summary - May 2015. Collection method: clinical testing. Allele origin: germline.
Comment: Variant summary: PAX8 c.1009T>G (p.Ser337Ala) results in a conservative amino acid change in the encoded protein sequence. Three of five in-silico tools predict a benign effect of the variant on protein function. The variant allele was found at a frequency of 0.0004 in 1613256 control chromosomes in the gnomAD database, including 2 homozygotes, suggesting the variant may be benign. c.1009T>G has been reported in the literature in individuals affected with gland-in-situ and thyroid ectopy without evidence of causality (examples: deFilippis_2017, Nettore_2018). These reports do not provide unequivocal conclusions about association of the variant with Hypothyroidism, Congenital, Nongoitrous, 2. To our knowledge, no experimental evidence demonstrating an impact on protein function has been reported. The following publications have been ascertained in the context of this evaluation (PMID: 29159607, 28444304). ClinVar contains an entry for this variant (Variation ID: 894021). Based on the evidence outlined above, the variant was classified as uncertain significance.

Ambry Genetics
Classification: Likely benign for Inborn genetic diseases. Last evaluated: 2021-12-07. Review status: criteria provided, single submitter. Criteria: Ambry Variant Classification Scheme 2023. Collection method: clinical testing. Allele origin: germline.

Illumina Laboratory Services, Illumina
Classification: Uncertain significance for Hypothyroidism, congenital, nongoitrous, 2. Last evaluated: 2017-04-27. Review status: criteria provided, single submitter. Criteria: ICSL Variant Classification Criteria 13 December 2019. Collection method: clinical testing. Allele origin: germline.

Literature cited by the submitters: PubMed 29159607 (cited by Women's Health and Genetics/Laboratory Corporation of America, LabCorp); PubMed 30222900 (cited by Women's Health and Genetics/Laboratory Corporation of America, LabCorp); PubMed 28444304 (cited by Women's Health and Genetics/Laboratory Corporation of America, LabCorp).